The following is an entry in ClinVar:

NM_000548.5(TSC2):c.2967-15G>A

Gene: TSC2 (TSC complex subunit 2; plus strand). Cytogenetic location: 16p13.3.
Variant type: single nucleotide variant.
Coding change: c.2967-15G>A on transcript NM_000548.5 (MANE Select); 15 bases into the intron before coding-DNA position 2967, G replaced by A.
Molecular consequence: intron variant.
Genome position (GRCh38, 1-based): chr16:2,079,017, G>A. VCF-style: chr16-2079017-G-A. GRCh37 (hg19) VCF-style: chr16-2129018-G-A.
Other names: c.2967-15G>A (NM_001114382.3); c.2838-15G>A (NM_021055.3, NM_001370405.1, NM_001363528.2); c.2838-18G>A (NM_001370404.1, NM_001077183.3); c.2727-15G>A (NM_001318827.2); c.2238-18G>A (NM_001318831.2); c.2691-15G>A (NM_001318829.2); c.2871-18G>A (NM_001318832.2).
Identifiers: ClinVar variation 1365079 (VCV001365079.8), dbSNP rs375423568, ClinGen allele CA043359.

ClinVar aggregate classification (germline): Conflicting classifications of pathogenicity. Review status: criteria provided, conflicting classifications (1 of 4 stars). 3 submissions from 3 submitters: Uncertain significance (2); Likely benign (1). Last evaluated 2025-12-31.

Conditions:
Isolated focal cortical dysplasia type II (FCORD2). Also called: Focal cortical dysplasia type II; CORTICAL DYSPLASIA OF TAYLOR. Identifiers: Orphanet 268994, MedGen C1846385, MONDO:0011818, OMIM 607341, HP:0032051.
Lymphangiomyomatosis (LAM). Also called: Lymphangioleiomyomatosis, somatic; Lymphangioleiomyomatosis. Identifiers: Orphanet 538, MedGen C0751674, MONDO:0011705, OMIM 606690.
Tuberous sclerosis 2 (TSC2). Identifiers: Orphanet 805, MedGen C1860707, MONDO:0013199, OMIM 613254.
Tuberous sclerosis syndrome (TSC). Also called: Tuberous Sclerosis Complex; Tuberous sclerosis. Identifiers: Orphanet 805, MedGen C0041341, MONDO:0001734.

Allele frequency attached by ClinVar (database versions not stated): ExAC 0.00002; gnomAD 0.00002; gnomAD exomes 0.00002; TOPMed 0.00005; ESP Exome Variant Server 0.00008.
gnomAD v4.1: 25 of 1,612,066 alleles (0.0016%); highest among the groups gnomAD compares: Admixed American, 0.0033%; no homozygotes.

Submissions (3):

Labcorp Genetics (formerly Invitae), Labcorp
Classification: Likely benign for Tuberous sclerosis 2. Last evaluated: 2025-12-31. Review status: criteria provided, single submitter. Criteria: Invitae Variant Classification Sherloc (09022015). Collection method: clinical testing. Allele origin: germline.

Color Diagnostics, LLC DBA Color Health
Classification: Uncertain significance for Tuberous sclerosis syndrome. Last evaluated: 2025-05-27. Review status: criteria provided, single submitter. Criteria: ACMG Guidelines, 2015. Collection method: clinical testing. Allele origin: germline.
Comment: This variant causes a G to A nucleotide substitution at the -15 position of intron 26 of the TSC2 gene. Splice site prediction tools are inconclusive regarding the impact of this variant on RNA splicing. To our knowledge, functional studies have not been reported for this variant. This variant has not been reported in individuals affected with TSC2-related disorders in the literature. This variant has been identified in 4/249656 chromosomes in the general population by the Genome Aggregation Database (gnomAD). The available evidence is insufficient to determine the role of this variant in disease conclusively. Therefore, this variant is classified as a Variant of Uncertain Significance.

Fulgent Genetics
Classification: Uncertain significance for Lymphangiomyomatosis; Isolated focal cortical dysplasia type II; Tuberous sclerosis 2. Last evaluated: 2021-07-20. Review status: criteria provided, single submitter. Criteria: ACMG Guidelines, 2015. Collection method: clinical testing. Allele origin: unknown.